The following is an entry in ClinVar:

ClinVar aggregate classification (germline): Likely benign. Review status: criteria provided, multiple submitters, no conflicts (2 of 4 stars). 3 submissions from 3 submitters: Likely benign (2). 1 of the submissions does not count toward it. Last evaluated 2025-06-19.

Conditions:
Cardiovascular phenotype. Identifiers: MedGen CN230736.
Hereditary cancer-predisposing syndrome. Also called: Neoplastic Syndromes, Hereditary; Hereditary Cancer Syndrome; Hereditary neoplastic syndrome; Tumor predisposition. Identifiers: Orphanet 140162, MedGen C0027672, MeSH D009386, MONDO:0015356.
LZTR1-related schwannomatosis. Also called: Schwannomatosis-2, susceptibility to; Schwannomatosis 2. Identifiers: Orphanet 93921, MedGen C3810283, MONDO:0014299, OMIM 615670.

Allele frequency attached by ClinVar (database versions not stated): gnomAD 0.00001.
gnomAD v4.1: 7 of 1,611,866 alleles (0.00043%); highest among the groups gnomAD compares: African/African-American, 0.0027%; no homozygotes.

Submissions (3):

Labcorp Genetics (formerly Invitae), Labcorp
Classification: Likely benign. Last evaluated: 2025-06-19. Review status: criteria provided, single submitter. Criteria: Invitae Variant Classification Sherloc (09022015). Collection method: clinical testing. Allele origin: germline.

Ambry Genetics
Classification: Likely benign for Cardiovascular phenotype; Hereditary cancer-predisposing syndrome. Last evaluated: 2022-07-11. Review status: criteria provided, single submitter. Criteria: Ambry Variant Classification Scheme 2023. Collection method: clinical testing. Allele origin: germline.

Department of Traditional Chinese Medicine, Fujian Provincial Hospital
Classification: Likely pathogenic for LZTR1-related schwannomatosis. Review status: no assertion criteria provided. Collection method: clinical testing. Allele origin: unknown. Inheritance: Autosomal dominant inheritance. Not counted in ClinVar's aggregate classification.
Comment: We found a mutation in the LZTR1 gene in patients with K-T syndrome and schwannomatosis, and this mutation site is consistent with "PVS1(Null variant (nonsense, frameshift, canonical +/−1 or 2 splice sites, initiation codon, single or multi-exon deletion) in a gene where loss of function (LOF) is a known mechanism of disease.)+PM2(Absent from controls in Exome Sequencing Project, 1000 Genomes or ExAC.)" in ACMG, so we think it may be pathogenic.

Literature cited by the submitters: DOI 10.1212/WNL.0000000000001129 (cited by Department of Traditional Chinese Medicine, Fujian Provincial Hospital); DOI 10.1038/ejhg.2014.220 (cited by Department of Traditional Chinese Medicine, Fujian Provincial Hospital); DOI 10.1038/ng.2855 (cited by Department of Traditional Chinese Medicine, Fujian Provincial Hospital).

NM_006767.4(LZTR1):c.1365C>T (p.Cys455=)

Gene: LZTR1 (leucine zipper like post translational regulator 1; plus strand). Cytogenetic location: 22q11.21.
Variant type: single nucleotide variant.
Coding change: c.1365C>T on transcript NM_006767.4 (MANE Select); coding-DNA position 1365, C replaced by T.
Protein change: p.Cys455=; no amino-acid change (cysteine 455 retained).
Molecular consequence: synonymous variant.
Genome position (GRCh38, 1-based): chr22:20,993,935, C>T. VCF-style: chr22-20993935-C-T. GRCh37 (hg19) VCF-style: chr22-21348224-C-T.
Identifiers: ClinVar variation 1655469 (VCV001655469.10), dbSNP rs1386837360, ClinGen allele CA513459052.
Genomic context (GRCh38, chr22:20,993,935, plus strand): 5'-CTGGGGCGAGGGTCCTGTGCCCTCTGCCAGTGCATCATTCTTTGTGCAGAAGGAGGAGTG[C>T]GTGCAGGGCCACGTAGCCATTGTCACAGCGCGGAGCCGCTGGCTTCGCAGGAAGATCACG-3'
Protein context (NP_006758.2, residues 445-465): VEFVLGEKEE[Cys455=]VQGHVAIVTA